The following is an entry in ClinVar:

ClinVar aggregate classification (germline): Pathogenic (1 of 4 stars; one submission).

Conditions:
Mitochondrial trifunctional protein deficiency. Identifiers: Orphanet 746, MedGen C1969443, MONDO:0012172.

Submission:

Labcorp Genetics (formerly Invitae), Labcorp
Classification: Pathogenic for Mitochondrial trifunctional protein deficiency. Last evaluated: 2023-08-16. Review status: criteria provided, single submitter. Criteria: Invitae Variant Classification Sherloc (09022015). Collection method: clinical testing. Allele origin: unknown.
Comment: This variant is a gross deletion of the genomic region encompassing exon(s) 13-15 of the HADHB gene. While this deletion is not anticipated to lead to nonsense mediated decay, it is expected to disrupt the C-terminus of the protein. This variant has not been reported in the literature in individuals affected with HADHB-related conditions. This variant disrupts a region of the HADHB protein in which other variant(s) (p.Asn389Asp) have been determined to be pathogenic (PMID: 17143551, 21549624, 24664533). This suggests that this is a clinically significant region of the protein, and that variants that disrupt it are likely to be disease-causing. For these reasons, this variant has been classified as Pathogenic.

Literature cited by the submitters: PubMed 17143551; PubMed 21549624; PubMed 24664533.

NC_000002.11:g.(?_26506965)_(26508459_?)del

Gene: HADHB (hydroxyacyl-CoA dehydrogenase trifunctional multienzyme complex subunit beta; plus strand). Cytogenetic location: 2p23.3.
Variant type: Deletion.
Identifiers: ClinVar variation 3247334 (VCV003247334.1).